The following is an entry in ClinVar:

ClinVar aggregate classification (germline): Uncertain significance (1 of 4 stars; one submission).

Conditions:
Hereditary motor and sensory neuropathy, Okinawa type (HMSNO). Also called: HEREDITARY MOTOR AND SENSORY NEUROPATHY, PROXIMAL TYPE. Identifiers: Orphanet 90117, MedGen C1858338, MONDO:0011468, OMIM 604484.
Hereditary spastic paraplegia 57. Also called: Spastic paraplegia 57, autosomal recessive. Identifiers: Orphanet 431329, MedGen C3714897, MONDO:0014295, OMIM 615658.

Allele frequency attached by ClinVar (database versions not stated): gnomAD exomes below 0.00001; TOPMed below 0.00001.
gnomAD v4.1: 1 of 1,613,508 alleles (0.000062%); highest among the groups gnomAD compares: Non-Finnish European, 0.000085%; no homozygotes.

Submission:

Labcorp Genetics (formerly Invitae), Labcorp
Classification: Uncertain significance for Hereditary motor and sensory neuropathy, Okinawa type; Hereditary spastic paraplegia 57. Last evaluated: 2020-05-07. Review status: criteria provided, single submitter. Criteria: Invitae Variant Classification Sherloc (09022015). Collection method: clinical testing. Allele origin: germline.
Comment: In summary, the available evidence is currently insufficient to determine the role of this variant in disease. Therefore, it has been classified as a Variant of Uncertain Significance. Algorithms developed to predict the effect of missense changes on protein structure and function are either unavailable or do not agree on the potential impact of this missense change (SIFT: "Tolerated"; PolyPhen-2: "Benign"; Align-GVGD: "Class C0"). This variant has not been reported in the literature in individuals with TFG-related disease. This variant is not present in population databases (ExAC no frequency). This sequence change replaces glutamine with histidine at codon 264 of the TFG protein (p.Gln264His). The glutamine residue is weakly conserved and there is a small physicochemical difference between glutamine and histidine.

NM_006070.6(TFG):c.792G>T (p.Gln264His)

Gene: TFG (trafficking from ER to golgi regulator; plus strand). Cytogenetic location: 3q12.2.
Variant type: single nucleotide variant.
Coding change: c.792G>T on transcript NM_006070.6 (MANE Select); coding-DNA position 792, G replaced by T.
Protein change: p.Gln264His; replaces glutamine 264 with histidine.
Molecular consequence: missense variant.
Genome position (GRCh38, 1-based): chr3:100,744,903, G>T. VCF-style: chr3-100744903-G-T. GRCh37 (hg19) VCF-style: chr3-100463747-G-T.
Other names: c.792G>T, p.Gln264His (NM_001007565.2, NM_001195478.2); c.780G>T, p.Gln260His (NM_001195479.2); short protein forms Q260H, Q264H.
Identifiers: ClinVar variation 664913 (VCV000664913.10), dbSNP rs1576379647, ClinGen allele CA353850418.